The following is an entry in ClinVar:

NM_003072.5(SMARCA4):c.1324A>C (p.Ser442Arg)

Gene: SMARCA4 (SWI/SNF related BAF chromatin remodeling complex subunit ATPase 4; plus strand). Cytogenetic location: 19p13.2.
Variant type: single nucleotide variant.
Coding change: c.1324A>C on transcript NM_003072.5 (MANE Select); coding-DNA position 1324, A replaced by C.
Protein change: p.Ser442Arg; replaces serine 442 with arginine.
Molecular consequence: missense variant. On other transcripts: non-coding transcript variant (1).
Genome position (GRCh38, 1-based): chr19:10,991,228, A>C. VCF-style: chr19-10991228-A-C. GRCh37 (hg19) VCF-style: chr19-11101904-A-C.
Other names: c.1324A>C, p.Ser442Arg (NM_001128844.3, NM_001128845.2, NM_001128846.2 and 5 more transcripts); c.1324A>C (NM_001128849.2); short protein forms S442R.
Identifiers: ClinVar variation 650277 (VCV000650277.12), dbSNP rs1600023338, ClinGen allele CA404060765.

ClinVar aggregate classification (germline): Uncertain significance. Review status: criteria provided, multiple submitters, no conflicts (2 of 4 stars). 3 submissions from 3 submitters: Uncertain significance (3). Last evaluated 2024-03-14.

Conditions:
Rhabdoid tumor predisposition syndrome 2 (RTPS2). Identifiers: Orphanet 231108, Orphanet 69077, MedGen C2750074, MONDO:0013224, OMIM 613325.
Otosclerosis 12. Identifiers: MedGen C5935610, MONDO:0968980, OMIM 620792.
Intellectual disability, autosomal dominant 16 (CSS4). Also called: COFFIN-SIRIS SYNDROME 4. Identifiers: Orphanet 1465, MedGen C3553249, MONDO:0013821, OMIM 614609.

Submissions (3):

Fulgent Genetics
Classification: Uncertain significance for Rhabdoid tumor predisposition syndrome 2; Intellectual disability, autosomal dominant 16; Otosclerosis 12. Last evaluated: 2024-03-14. Review status: criteria provided, single submitter. Criteria: ACMG Guidelines, 2015. Collection method: clinical testing. Allele origin: germline.

Blueprint Genetics
Classification: Uncertain significance. Last evaluated: 2023-03-16. Review status: criteria provided, single submitter. Criteria: ACMG Guidelines, 2015. Collection method: clinical testing. Allele origin: germline.

Labcorp Genetics (formerly Invitae), Labcorp
Classification: Uncertain significance for Rhabdoid tumor predisposition syndrome 2. Last evaluated: 2021-03-13. Review status: criteria provided, single submitter. Criteria: Invitae Variant Classification Sherloc (09022015). Collection method: clinical testing. Allele origin: germline.
Comment: In summary, the available evidence is currently insufficient to determine the role of this variant in disease. Therefore, it has been classified as a Variant of Uncertain Significance. Algorithms developed to predict the effect of missense changes on protein structure and function are either unavailable or do not agree on the potential impact of this missense change (SIFT: "Deleterious"; PolyPhen-2: "Possibly Damaging"; Align-GVGD: "Class C0"). This variant has not been reported in the literature in individuals with SMARCA4-related disease. This variant is not present in population databases (ExAC no frequency). This sequence change replaces serine with arginine at codon 442 of the SMARCA4 protein (p.Ser442Arg). The serine residue is highly conserved and there is a moderate physicochemical difference between serine and arginine.